The following is an entry in ClinVar:

NM_000051.4(ATM):c.1518del (p.Leu507fs)

Gene: ATM (ATM serine/threonine kinase; plus strand). Cytogenetic location: 11q22.3.
Variant type: Deletion.
Coding change: c.1518del on transcript NM_000051.4 (MANE Select); coding-DNA position 1518, one base deleted (C; older notation c.1518delC).
Protein change: p.Leu507fs; shifts the reading frame from leucine 507.
Molecular consequence: frameshift variant.
Genome position (GRCh38, 1-based): chr11:108,250,983, C deleted. VCF-style (leftmost placement, unchanged base first): chr11-108250982-GC-G. GRCh37 (hg19) VCF-style: chr11-108121709-GC-G.
Other names: c.1518del, p.Leu507fs (NM_001351834.2); short protein forms L507fs.
Identifiers: ClinVar variation 4169222 (VCV004169222.2).

ClinVar aggregate classification (germline): Pathogenic. Review status: criteria provided, multiple submitters, no conflicts (2 of 4 stars). 2 submissions from 2 submitters: Pathogenic (2). Last evaluated 2025-09-09.

Conditions:
Familial cancer of breast. Also called: BREAST CANCER, FAMILIAL; Hereditary breast cancer; hereditary breast carcinoma. Identifiers: Orphanet 227535, MedGen C0346153, MONDO:0016419, OMIM 114480. Disease mechanism: loss of function.
Hereditary cancer-predisposing syndrome. Also called: Neoplastic Syndromes, Hereditary; Tumor predisposition; Hereditary Cancer Syndrome; Hereditary neoplastic syndrome. Identifiers: Orphanet 140162, MedGen C0027672, MeSH D009386, MONDO:0015356.

Submissions (2):

Myriad Genetics, Inc.
Classification: Pathogenic for Familial cancer of breast. Last evaluated: 2025-09-09. Review status: criteria provided, single submitter. Criteria: Myriad Autosomal Dominant, Autosomal Recessive and X-Linked Classification Criteria (2023). Collection method: clinical testing. Allele origin: unknown.
Comment: This variant is considered pathogenic. This variant creates a frameshift predicted to result in premature protein truncation.

Ambry Genetics
Classification: Pathogenic for Hereditary cancer-predisposing syndrome. Last evaluated: 2025-07-11. Review status: criteria provided, single submitter. Criteria: Ambry Variant Classification Scheme 2023. Collection method: clinical testing. Allele origin: germline.
Comment: The c.1518delC pathogenic mutation, located in coding exon 9 of the ATM gene, results from a deletion of one nucleotide at nucleotide position 1518, causing a translational frameshift with a predicted alternate stop codon (p.L507Yfs*5). This variant is considered to be rare based on population cohorts in the Genome Aggregation Database (gnomAD). This alteration is expected to result in loss of function by premature protein truncation or nonsense-mediated mRNA decay. As such, this alteration is interpreted as a disease-causing mutation.